The following is an entry in ClinVar:

NM_177438.3(DICER1):c.1976C>T (p.Pro659Leu)

Gene: DICER1 (dicer 1, ribonuclease III; minus strand). Cytogenetic location: 14q32.13.
Variant type: single nucleotide variant.
Coding change: c.1976C>T on transcript NM_177438.3 (MANE Select); coding-DNA position 1976, C replaced by T.
Protein change: p.Pro659Leu; replaces proline 659 with leucine.
Molecular consequence: missense variant. On other transcripts: non-coding transcript variant (6).
Genome position (GRCh38, 1-based): chr14:95,113,156, G>A on the plus strand (C>T on the coding strand, the complement: DICER1 is on the minus strand). VCF-style: chr14-95113156-G-A. GRCh37 (hg19) VCF-style: chr14-95579493-G-A.
Other names: c.1976C>T, p.Pro659Leu (NM_001195573.1, NM_001271282.3, NM_001291628.2 and 13 more transcripts); c.1694C>T, p.Pro565Leu (NM_001395686.1); c.1571C>T, p.Pro524Leu (NM_001395687.1, NM_001395688.1, NM_001395689.1 and 3 more transcripts); c.1409C>T, p.Pro470Leu (NM_001395691.1); c.293C>T, p.Pro98Leu (NM_001395697.1); short protein forms P565L, P659L, P524L, P98L, P470L.
Identifiers: ClinVar variation 1783713 (VCV001783713.4), dbSNP rs2542954267, ClinGen allele CA390883311.

ClinVar aggregate classification (germline): Uncertain significance. Review status: criteria provided, multiple submitters, no conflicts (2 of 4 stars). 2 submissions from 2 submitters: Uncertain significance (2). Last evaluated 2026-01-16.

Conditions:
Hereditary cancer-predisposing syndrome. Also called: Tumor predisposition; Neoplastic Syndromes, Hereditary; Hereditary Cancer Syndrome; Hereditary neoplastic syndrome. Identifiers: Orphanet 140162, MedGen C0027672, MeSH D009386, MONDO:0015356.
DICER1-related tumor predisposition. Also called: DICER1-related pleuropulmonary blastoma cancer predisposition syndrome; DICER1 syndrome. Identifiers: Orphanet 284343, MedGen C3839822, MONDO:0100216.

Submissions (2):

Labcorp Genetics (formerly Invitae), Labcorp
Classification: Uncertain significance for DICER1-related tumor predisposition. Last evaluated: 2026-01-16. Review status: criteria provided, single submitter. Criteria: Invitae Variant Classification Sherloc (09022015). Collection method: clinical testing. Allele origin: germline.
Comment: This sequence change replaces proline, which is neutral and non-polar, with leucine, which is neutral and non-polar, at codon 659 of the DICER1 protein (p.Pro659Leu). This variant is not present in population databases (gnomAD no frequency). This variant has not been reported in the literature in individuals affected with DICER1-related conditions. ClinVar contains an entry for this variant (Variation ID: 1783713). Invitae Evidence Modeling of protein sequence and biophysical properties (such as structural, functional, and spatial information, amino acid conservation, physicochemical variation, residue mobility, and thermodynamic stability) indicates that this missense variant is not expected to disrupt DICER1 protein function with a negative predictive value of 95%. In summary, the available evidence is currently insufficient to determine the role of this variant in disease. Therefore, it has been classified as a Variant of Uncertain Significance.

Ambry Genetics
Classification: Uncertain significance for Hereditary cancer-predisposing syndrome. Last evaluated: 2021-10-22. Review status: criteria provided, single submitter. Criteria: Ambry Variant Classification Scheme 2023. Collection method: clinical testing. Allele origin: germline.
Comment: The p.P659L variant (also known as c.1976C>T), located in coding exon 11 of the DICER1 gene, results from a C to T substitution at nucleotide position 1976. The proline at codon 659 is replaced by leucine, an amino acid with similar properties. This amino acid position is well conserved in available vertebrate species. In addition, this alteration is predicted to be tolerated by in silico analysis. Since supporting evidence is limited at this time, the clinical significance of this alteration remains unclear.